The following is an entry in ClinVar:

ClinVar aggregate classification (germline): Uncertain significance. Review status: criteria provided, multiple submitters, no conflicts (2 of 4 stars). 2 submissions from 2 submitters: Uncertain significance (2). Last evaluated 2026-01-22.

Conditions:
Congenital lipoid adrenal hyperplasia due to STAR deficency. Also called: Congenital Lipoid Adrenal Hyperplasia; ADRENAL HYPERPLASIA I; Cholesterol monooxygenase (side-chain cleaving) deficiency; Lipoid adrenal hyperplasia. Identifiers: Orphanet 418, Orphanet 90790, MedGen C0342474, MONDO:0008725, OMIM 201710.

Submissions (2):

Myriad Genetics, Inc.
Classification: Uncertain significance for Congenital lipoid adrenal hyperplasia due to STAR deficency. Last evaluated: 2026-01-22. Review status: criteria provided, single submitter. Criteria: Myriad Autosomal Dominant, Autosomal Recessive and X-Linked Classification Criteria (2023). Collection method: clinical testing. Allele origin: unknown.
Comment: NM_000349.2(STAR):c.28G>A(A10T) is a missense variant classified as a variant of uncertain significance in the context of lipoid congenital adrenal hyperplasia. A10T has been observed in a case with relevant disease (PMID: 34258490). Relevant functional assessments of this variant are available in the literature (PMID: 37035007). A10T has not been observed in referenced population frequency databases. In summary, there is insufficient evidence to classify NM_000349.2(STAR):c.28G>A(A10T) as pathogenic or benign. Please note: this variant was assessed in the context of healthy population screening.

Women's Health and Genetics/Laboratory Corporation of America, LabCorp
Classification: Uncertain significance. Last evaluated: 2025-10-24. Review status: criteria provided, single submitter. Criteria: LabCorp Variant Classification Summary - May 2015. Collection method: clinical testing. Allele origin: germline.
Comment: Variant summary: STAR c.28G>A (p.Ala10Thr) results in a non-conservative amino acid change in the encoded protein sequence. Algorithms developed to predict the effect of missense changes on protein structure and function all suggest that this variant is likely to be disruptive. The variant was absent in 246946 control chromosomes (gnomAD). The available data on variant occurrences in the general population are insufficient to allow any conclusion about variant significance. c.28G>A has been observed in an individual(s) affected with rimary Adrenal Insufficiency (Buonocore_2021). This report does not provide unequivocal conclusions about association of the variant with Congenital Lipoid Adrenal Hyperplasia. To our knowledge, no experimental evidence demonstrating an impact on protein function has been reported. The following publication has been ascertained in the context of this evaluation (PMID: 4258490). No submitters have cited clinical-significance assessments for this variant to ClinVar. Based on the evidence outlined above, the variant was classified as uncertain significance.

Literature cited by the submitters: PubMed 34258490 (cited by Myriad Genetics, Inc.); PubMed 37035007 (cited by Myriad Genetics, Inc.); PubMed 4258490 (cited by Women's Health and Genetics/Laboratory Corporation of America, LabCorp).

NM_000349.3(STAR):c.28G>A (p.Ala10Thr)

Genes: STAR (steroidogenic acute regulatory protein; minus strand), LOC108863620 (STAR 5' regulatory region; plus strand). Cytogenetic location: 8p11.23.
Variant type: single nucleotide variant.
Coding change: c.28G>A on transcript NM_000349.3 (MANE Select); coding-DNA position 28, G replaced by A.
Protein change: p.Ala10Thr; replaces alanine 10 with threonine.
Molecular consequence: missense variant.
Genome position (GRCh38, 1-based): chr8:38,150,791, C>T on the plus strand (G>A on the coding strand, the complement: STAR is on the minus strand). VCF-style: chr8-38150791-C-T. GRCh37 (hg19) VCF-style: chr8-38008309-C-T.
Other names: short protein forms A10T.
Identifiers: ClinVar variation 4687768 (VCV004687768.2).